The following is an entry in ClinVar:

ClinVar aggregate classification (germline): Conflicting classifications of pathogenicity. Review status: criteria provided, conflicting classifications (1 of 4 stars). 2 submissions from 2 submitters: Likely pathogenic (1); Uncertain significance (1). Last evaluated 2026-03-17.

Allele frequency attached by ClinVar (database versions not stated): gnomAD exomes below 0.00001; gnomAD 0.00002; TOPMed 0.00002.

Submissions (2):

GeneDx
Classification: Likely pathogenic. Last evaluated: 2026-03-17. Review status: criteria provided, single submitter. Criteria: GeneDx Variant Classification Process June 2021. Collection method: clinical testing. Allele origin: germline. Affected: yes.
Comment: Canonical splice site variant predicted to result in an in-frame loss of the adjacent exon in a gene for which loss of function is a known mechanism of disease; Not observed at significant frequency in large population cohorts (gnomAD); Has not been previously published as pathogenic or benign to our knowledge

Labcorp Genetics (formerly Invitae), Labcorp
Classification: Uncertain significance. Last evaluated: 2022-06-15. Review status: criteria provided, single submitter. Criteria: Invitae Variant Classification Sherloc (09022015). Collection method: clinical testing. Allele origin: germline.
Comment: This sequence change falls in intron 3 of the PIGV gene. It does not directly change the encoded amino acid sequence of the PIGV protein. It affects a nucleotide within the consensus splice site. This variant is present in population databases (no rsID available, gnomAD 0.0009%). This variant has not been reported in the literature in individuals affected with PIGV-related conditions. Variants that disrupt the consensus splice site are a relatively common cause of aberrant splicing (PMID: 17576681, 9536098). In summary, the available evidence is currently insufficient to determine the role of this variant in disease. Therefore, it has been classified as a Variant of Uncertain Significance.

Literature cited by the submitters: PubMed 17576681 (cited by Labcorp Genetics (formerly Invitae), Labcorp); PubMed 9536098 (cited by Labcorp Genetics (formerly Invitae), Labcorp).

NM_017837.4(PIGV):c.1200+1G>T

Gene: PIGV (phosphatidylinositol glycan anchor biosynthesis class V; plus strand). Cytogenetic location: 1p36.11.
Variant type: single nucleotide variant.
Coding change: c.1200+1G>T on transcript NM_017837.4 (MANE Select); the canonical splice donor site of the intron after coding-DNA position 1200, G replaced by T.
Molecular consequence: splice donor variant. On other transcripts: intron variant (1).
Genome position (GRCh38, 1-based): chr1:26,795,235, G>T. VCF-style: chr1-26795235-G-T. GRCh37 (hg19) VCF-style: chr1-27121726-G-T.
Other names: c.1200+1G>T (NM_001374478.1, NM_001374480.1, NM_001374481.1 and 2 more transcripts); c.573+1G>T (NM_001374484.1, NM_001374485.1); c.819+1G>T (NM_001374483.1); c.79-2328G>T (NM_001374486.1).
Identifiers: ClinVar variation 2069423 (VCV002069423.3), dbSNP rs1283326533, ClinGen allele CA339202177.